The following is an entry in ClinVar:

NM_000535.7(PMS2):c.2091_2092delinsGGACCATGGACCATGGACCA (p.Ile697_Val698delinsMetAspHisGlyProTrpThrMet)

Gene: PMS2 (PMS1 homolog 2, mismatch repair system component; minus strand). Cytogenetic location: 7p22.1.
Variant type: Indel.
Coding change: c.2091_2092delinsGGACCATGGACCATGGACCA on transcript NM_000535.7 (MANE Select); coding-DNA positions 2091 to 2092, AG replaced by GGACCATGGACCATGGACCA.
Protein change: p.Ile697_Val698delinsMetAspHisGlyProTrpThrMet.
Molecular consequence: inframe indel. On other transcripts: non-coding transcript variant (1).
Genome position (GRCh38, 1-based): chr7:5,982,906-5,982,907, CT replaced by TGGTCCATGGTCCATGGTCC on the plus strand (AG replaced by GGACCATGGACCATGGACCA on the coding strand, the reverse complement: PMS2 is on the minus strand). VCF-style: chr7-5982906-CT-TGGTCCATGGTCCATGGTCC. GRCh37 (hg19) VCF-style: chr7-6022537-CT-TGGTCCATGGTCCATGGTCC.
Other names: c.1923_1924delAGinsGGACCATGGACCATGGACCA, p.Ile641_Val642delinsMetAspHisGlyProTrpThrMet (NM_001406874.1); c.1782_1783delAGinsGGACCATGGACCATGGACCA, p.Ile594_Val595delinsMetAspHisGlyProTrpThrMet (NM_001406875.1, NM_001406877.1, NM_001406878.1 and 4 more transcripts); c.1773_1774delAGinsGGACCATGGACCATGGACCA, p.Ile591_Val592delinsMetAspHisGlyProTrpThrMet (NM_001406876.1, NM_001406883.1); c.1767_1768delAGinsGGACCATGGACCATGGACCA, p.Ile589_Val590delinsMetAspHisGlyProTrpThrMet (NM_001406884.1); c.1755_1756delAGinsGGACCATGGACCATGGACCA, p.Ile585_Val586delinsMetAspHisGlyProTrpThrMet (NM_001406885.1); c.1725_1726delAGinsGGACCATGGACCATGGACCA, p.Ile575_Val576delinsMetAspHisGlyProTrpThrMet (NM_001406886.1); c.1686_1687delAGinsGGACCATGGACCATGGACCA, p.Ile562_Val563delinsMetAspHisGlyProTrpThrMet (NM_001406887.1, NM_001406888.1, NM_001406889.1 and 11 more transcripts); c.1626_1627delAGinsGGACCATGGACCATGGACCA, p.Ile542_Val543delinsMetAspHisGlyProTrpThrMet (NM_001406900.1); and 20 more.
Identifiers: ClinVar variation 1785734 (VCV001785734.5), dbSNP rs2535541199, ClinGen allele CA2580076834.
Genomic context (GRCh38, chr7:5,982,906, plus strand): 5'-GCACGGTGTGCTGCTGCAGCATCTCGAAGTTATACTTCTCGTCCGTGGCATGCTGGTCCA[CT>TGGTCCATGGTCCATGGTCC]ATGAAGATATCCTCATTCAGTTTGGTTATTATAAATCCCAGGTTAAACTGACCAATGATT-3'

ClinVar aggregate classification (germline): Uncertain significance. Review status: criteria provided, multiple submitters, no conflicts (2 of 4 stars). 2 submissions from 2 submitters: Uncertain significance (2). Last evaluated 2024-10-21.

Conditions:
Hereditary cancer-predisposing syndrome. Also called: Neoplastic Syndromes, Hereditary; Tumor predisposition; Hereditary Cancer Syndrome; Hereditary neoplastic syndrome. Identifiers: Orphanet 140162, MedGen C0027672, MeSH D009386, MONDO:0015356.
Hereditary nonpolyposis colorectal neoplasms. Identifiers: MedGen C0009405, MeSH D003123.

Submissions (2):

Labcorp Genetics (formerly Invitae), Labcorp
Classification: Uncertain significance for Hereditary nonpolyposis colorectal neoplasms. Last evaluated: 2024-10-21. Review status: criteria provided, single submitter. Criteria: Invitae Variant Classification Sherloc (09022015). Collection method: clinical testing. Allele origin: germline.
Comment: This variant, c.2091_2092delinsGGACCATGGACCATGGACCA, is a complex sequence change that results in the deletion of 2 and insertion of 8 amino acid(s) in the PMS2 protein (p.Ile697_Val698delinsMetAspHisGlyProTrpThrMet). The frequency data for this variant in the population databases (gnomAD) is considered unreliable due to the presence of homologous sequence, such as pseudogenes or paralogs, in the genome. This variant has not been reported in the literature in individuals affected with PMS2-related conditions. ClinVar contains an entry for this variant (Variation ID: 1785734). Experimental studies and prediction algorithms are not available or were not evaluated, and the functional significance of this variant is currently unknown. In summary, the available evidence is currently insufficient to determine the role of this variant in disease. Therefore, it has been classified as a Variant of Uncertain Significance.

Ambry Genetics
Classification: Uncertain significance for Hereditary cancer-predisposing syndrome. Last evaluated: 2024-09-13. Review status: criteria provided, single submitter. Criteria: Ambry Variant Classification Scheme 2023. Collection method: clinical testing. Allele origin: germline.
Comment: The c.2091_2092delAGins20 variant, located in coding exon 12 of the PMS2 gene, results from an in-frame deletion of AG and insertion of 20 nucleotides at positions 2091 to 2092. This results in the substitution of 2 amino acids and insertion of 6 additional amino acids at codons 697 to 698 (p.I697_V698delinsMDHGPWTM). This variant has been identified in a proband(s) whose Lynch syndrome-associated tumor demonstrated loss of PMS2 expression by immunohistochemistry (Ambry internal data). Based on internal structural analysis, I697_V698delinsMDHGPWTM is deleterious (Ambry internal data). In addition, this alteration is predicted to be deleterious by in silico analysis (Choi Y et al. PLoS ONE. 2012; 7(10):e46688). Based on the available evidence, the clinical significance of this variant remains unclear.